The following is an entry in ClinVar:

NM_004369.4(COL6A3):c.9045C>T (p.Pro3015=)

Gene: COL6A3 (collagen type VI alpha 3 chain; minus strand). Cytogenetic location: 2q37.3.
Variant type: single nucleotide variant.
Coding change: c.9045C>T on transcript NM_004369.4 (MANE Select); coding-DNA position 9045, C replaced by T.
Protein change: p.Pro3015=; no amino-acid change (proline 3015 retained).
Molecular consequence: synonymous variant.
Genome position (GRCh38, 1-based): chr2:237,334,810, G>A on the plus strand (C>T on the coding strand, the complement: COL6A3 is on the minus strand). VCF-style: chr2-237334810-G-A. GRCh37 (hg19) VCF-style: chr2-238243453-G-A.
Other names: c.7224C>T, p.Pro2408= (NM_057166.5); c.8427C>T, p.Pro2809= (NM_057167.4).
Identifiers: ClinVar variation 476566 (VCV000476566.10), dbSNP rs144834964, ClinGen allele CA2187373.

ClinVar aggregate classification (germline): Likely benign. Review status: criteria provided, single submitter (1 of 4 stars). 2 submissions from 2 submitters: Likely benign (1). 1 of the submissions does not count toward it. Last evaluated 2025-10-01.

Conditions:
COL6A3-related disorder. Also called: COL6A3-related disorders; COL6A3-related condition.
Bethlem myopathy 1A. Also called: Bethlem Muscular Dystrophy; MYOPATHY, BENIGN CONGENITAL, WITH CONTRACTURES; Bethlem myopathy 1. Identifiers: Orphanet 610, MedGen CN029274, MONDO:0024530, OMIM 158810.

Allele frequency attached by ClinVar (database versions not stated): ExAC 0.00007; ESP Exome Variant Server 0.00008; gnomAD 0.00013 and 0.00014; 1000 Genomes Project 30x 0.00016; TOPMed 0.00016; 1000 Genomes Project 0.00020.
gnomAD v4.1: 130 of 1,614,064 alleles (0.0081%); highest among the groups gnomAD compares: Middle Eastern, 0.05%; no homozygotes.

Submissions (2):

Labcorp Genetics (formerly Invitae), Labcorp
Classification: Likely benign for Bethlem myopathy 1A. Last evaluated: 2025-10-01. Review status: criteria provided, single submitter. Criteria: Invitae Variant Classification Sherloc (09022015). Collection method: clinical testing. Allele origin: germline.

PreventionGenetics, part of Exact Sciences
Classification: Likely benign for COL6A3-related condition. Last evaluated: 2024-08-28. Review status: no assertion criteria provided. Collection method: clinical testing. Allele origin: germline. Not counted in ClinVar's aggregate classification.
Comment: This variant is classified as likely benign based on ACMG/AMP sequence variant interpretation guidelines (Richards et al. 2015 PMID: 25741868, with internal and published modifications).